The following is an entry in ClinVar:

ClinVar aggregate classification (germline): Uncertain significance (1 of 4 stars; one submission).

Conditions:
Immunodeficiency 31B. Also called: STAT1 DEFICIENCY, AUTOSOMAL RECESSIVE; IMMUNODEFICIENCY 31B, MYCOBACTERIAL AND VIRAL INFECTIONS, AUTOSOMAL RECESSIVE. Identifiers: Orphanet 391311, MedGen C3151088, MONDO:0013427, OMIM 613796.
Autoimmune enteropathy and endocrinopathy - susceptibility to chronic infections syndrome. Also called: Immunodeficiency 31C; Immunodeficiency 31C, autosomal dominant. Identifiers: Orphanet 391487, MedGen C3279990, MONDO:0013599, OMIM 614162.
Mendelian susceptibility to mycobacterial diseases due to partial STAT1 deficiency. Also called: IMMUNODEFICIENCY 31A, MYCOBACTERIOSIS, AUTOSOMAL DOMINANT; STAT1 DEFICIENCY, AUTOSOMAL DOMINANT; Immunodeficiency 31a. Identifiers: Orphanet 319595, MedGen C4013950, MONDO:0013956, OMIM 614892.

Submission:

Labcorp Genetics (formerly Invitae), Labcorp
Classification: Uncertain significance for Mendelian susceptibility to mycobacterial diseases due to partial STAT1 deficiency; Immunodeficiency 31B; Autoimmune enteropathy and endocrinopathy - susceptibility to chronic infections syndrome. Last evaluated: 2020-12-10. Review status: criteria provided, single submitter. Criteria: Invitae Variant Classification Sherloc (09022015). Collection method: clinical testing. Allele origin: germline.
Comment: This sequence change falls in intron 21 of the STAT1 gene. It does not directly change the encoded amino acid sequence of the STAT1 protein. It affects a nucleotide within the consensus splice site of the intron. This variant is not present in population databases (ExAC no frequency). This variant has not been reported in the literature in individuals with STAT1-related conditions. In summary, the available evidence is currently insufficient to determine the role of this variant in disease. Therefore, it has been classified as a Variant of Uncertain Significance. Nucleotide substitutions within the consensus splice site are a relatively common cause of aberrant splicing (PMID: 17576681, 9536098). Algorithms developed to predict the effect of sequence changes on RNA splicing suggest that this variant is not likely to affect RNA splicing, but this prediction has not been confirmed by published transcriptional studies.

Literature cited by the submitters: PubMed 17576681; PubMed 9536098.

NM_007315.4(STAT1):c.1874-3T>C

Gene: STAT1 (signal transducer and activator of transcription 1; minus strand). Cytogenetic location: 2q32.2.
Variant type: single nucleotide variant.
Coding change: c.1874-3T>C on transcript NM_007315.4 (MANE Select); 3 bases into the intron before coding-DNA position 1874, T replaced by C.
Molecular consequence: intron variant.
Genome position (GRCh38, 1-based): chr2:190,977,028, A>G on the plus strand (T>C on the coding strand, the complement: STAT1 is on the minus strand). VCF-style: chr2-190977028-A-G. GRCh37 (hg19) VCF-style: chr2-191841754-A-G.
Other names: c.1874-3T>C (NM_001384886.1, NM_139266.3, NM_001384889.1); c.1910-3T>C (NM_001384891.1); c.1880-3T>C (NM_001384884.1, NM_001384881.1); c.1784-3T>C (NM_001384890.1); c.1775-3T>C (NM_001384883.1); c.1715-3T>C (NM_001384885.1); c.1781-3T>C (NM_001384887.1); c.1814-3T>C (NM_001384880.1); and 2 more.
Identifiers: ClinVar variation 1369593 (VCV001369593.6), dbSNP rs2125000778, ClinGen allele CA2573134309.